The following is an entry in ClinVar:

ClinVar aggregate classification (germline): Uncertain significance. Review status: criteria provided, multiple submitters, no conflicts (2 of 4 stars). 2 submissions from 2 submitters: Uncertain significance (2). Last evaluated 2025-04-06.

Conditions:
Inborn genetic diseases. Identifiers: MedGen C0950123, MeSH D030342.
MHC class II deficiency. Also called: Bare lymphocyte syndrome 2; BLS, TYPE II. Identifiers: Orphanet 572, MedGen C5447452, MONDO:0008855.

Allele frequency attached by ClinVar (database versions not stated): gnomAD exomes 0.00002; ExAC 0.00004; TOPMed 0.00006; gnomAD 0.00001.
gnomAD v4.1: 35 of 1,563,870 alleles (0.0022%); highest among the groups gnomAD compares: East Asian, 0.034%; no homozygotes.

Submissions (2):

Ambry Genetics
Classification: Uncertain significance for Inborn genetic diseases. Last evaluated: 2025-04-06. Review status: criteria provided, single submitter. Criteria: Ambry Variant Classification Scheme 2023. Collection method: clinical testing. Allele origin: germline.

Labcorp Genetics (formerly Invitae), Labcorp
Classification: Uncertain significance for MHC class II deficiency. Last evaluated: 2022-02-10. Review status: criteria provided, single submitter. Criteria: Invitae Variant Classification Sherloc (09022015). Collection method: clinical testing. Allele origin: germline.
Comment: This sequence change replaces alanine, which is neutral and non-polar, with threonine, which is neutral and polar, at codon 813 of the CIITA protein (p.Ala813Thr). This variant is present in population databases (rs779586850, gnomAD 0.06%). This variant has not been reported in the literature in individuals affected with CIITA-related conditions. Algorithms developed to predict the effect of missense changes on protein structure and function output the following: SIFT: "Tolerated"; PolyPhen-2: "Benign"; Align-GVGD: "Class C0". The threonine amino acid residue is found in multiple mammalian species, which suggests that this missense change does not adversely affect protein function. In summary, the available evidence is currently insufficient to determine the role of this variant in disease. Therefore, it has been classified as a Variant of Uncertain Significance.

NM_000246.4(CIITA):c.2437G>A (p.Ala813Thr)

Gene: CIITA (class II major histocompatibility complex transactivator; plus strand). Cytogenetic location: 16p13.13.
Variant type: single nucleotide variant.
Coding change: c.2437G>A on transcript NM_000246.4 (MANE Select); coding-DNA position 2437, G replaced by A.
Protein change: p.Ala813Thr; replaces alanine 813 with threonine.
Molecular consequence: missense variant. On other transcripts: intron variant (1).
Genome position (GRCh38, 1-based): chr16:10,907,929, G>A. VCF-style: chr16-10907929-G-A. GRCh37 (hg19) VCF-style: chr16-11001786-G-A.
Other names: c.2440G>A, p.Ala814Thr (NM_001286402.1, NM_001379332.1); c.2293G>A, p.Ala765Thr (NM_001379330.1); c.2290G>A, p.Ala764Thr (NM_001379331.1); c.2437G>A, p.Ala813Thr (NM_001379333.1); c.2368G>A, p.Ala790Thr (NM_001379334.1); c.860-1054G>A (NM_001286403.2); short protein forms A813T, A790T, A814T, A764T, A765T.
Identifiers: ClinVar variation 2138695 (VCV002138695.2), dbSNP rs779586850, ClinGen allele CA7900377.